The following is an entry in ClinVar:

ClinVar aggregate classification (germline): Uncertain significance (1 of 4 stars; one submission).

Submission:

Ambry Genetics
Classification: Uncertain significance. Last evaluated: 2025-06-02. Review status: criteria provided, single submitter. Criteria: Ambry Variant Classification Scheme 2023. Collection method: clinical testing. Allele origin: germline.
Comment: The p.S1869N variant (also known as c.5606G>A), located in coding exon 22 of the WNK2 gene, results from a G to A substitution at nucleotide position 5606. The serine at codon 1869 is replaced by asparagine, an amino acid with highly similar properties. This amino acid position is conserved. In addition, this alteration is predicted to be tolerated by in silico analysis. Based on the available evidence, the clinical significance of this variant remains unclear.

NM_006648.4(WNK2):c.5606G>A (p.Ser1869Asn)

Gene: WNK2 (WNK lysine deficient protein kinase 2; plus strand). Cytogenetic location: 9q22.31.
Variant type: single nucleotide variant.
Coding change: c.5606G>A on transcript NM_006648.4 (MANE Select); coding-DNA position 5606, G replaced by A.
Protein change: p.Ser1869Asn; replaces serine 1869 with asparagine.
Molecular consequence: missense variant.
Genome position (GRCh38, 1-based): chr9:93,293,071, G>A. VCF-style: chr9-93293071-G-A. GRCh37 (hg19) VCF-style: chr9-96055353-G-A.
Other names: c.5717G>A, p.Ser1906Asn (NM_001282394.3); short protein forms S1906N, S1869N.
Identifiers: ClinVar variation 2295710 (VCV002295710.3), dbSNP rs2540944712, ClinGen allele CA374073104.